The following is an entry in ClinVar:

ClinVar aggregate classification (germline): Uncertain significance (1 of 4 stars; one submission).

Conditions:
Inborn genetic diseases. Identifiers: MedGen C0950123, MeSH D030342.

gnomAD v4.1: 2 of 1,613,804 alleles (0.00012%); highest among the groups gnomAD compares: Admixed American, 0.0017%; no homozygotes.

Submission:

Ambry Genetics
Classification: Uncertain significance for Inborn genetic diseases. Last evaluated: 2025-10-15. Review status: criteria provided, single submitter. Criteria: Ambry Variant Classification Scheme 2023. Collection method: clinical testing. Allele origin: germline.
Comment: The c.2776A>G (p.M926V) alteration is located in exon 26 (coding exon 26) of the ANK1 gene. This alteration results from a A to G substitution at nucleotide position 2776, causing the methionine (M) at amino acid position 926 to be replaced by a valine (V). Based on data from gnomAD, the G allele has an overall frequency of <0.001% (1/250958) total alleles studied. The highest observed frequency was 0.001% (1/113392) of European (non-Finnish) alleles. Based on insufficient or conflicting evidence, the clinical significance of this alteration remains unclear.

NM_000037.4(ANK1):c.2776A>G (p.Met926Val)

Gene: ANK1 (ankyrin 1; minus strand). Cytogenetic location: 8p11.21.
Variant type: single nucleotide variant.
Coding change: c.2776A>G on transcript NM_000037.4 (MANE Select); coding-DNA position 2776, A replaced by G.
Protein change: p.Met926Val; replaces methionine 926 with valine.
Molecular consequence: missense variant.
Genome position (GRCh38, 1-based): chr8:41,696,547, T>C on the plus strand (A>G on the coding strand, the complement: ANK1 is on the minus strand). VCF-style: chr8-41696547-T-C. GRCh37 (hg19) VCF-style: chr8-41554065-T-C.
Other names: c.2899A>G, p.Met967Val (NM_001142446.2); c.2776A>G, p.Met926Val (NM_020475.3, NM_020476.3, NM_020477.3); short protein forms M967V, M926V.
Identifiers: ClinVar variation 4576847 (VCV004576847.1).